The following is an entry in ClinVar:

ClinVar aggregate classification (germline): Likely pathogenic. Review status: criteria provided, multiple submitters, no conflicts (2 of 4 stars). 3 submissions from 3 submitters: Likely pathogenic (3). Last evaluated 2024-01-12.

Conditions:
Familial X-linked hypophosphatemic vitamin D refractory rickets (XLHRD). Also called: Hypophosphatemic Rickets, X-Linked Dominant; HYPOPHOSPHATEMIC VITAMIN D-RESISTANT RICKETS; Hypophosphatemia, vitamin D-resistant rickets; Vitamin D-resistant rickets, X-linked; X-Linked Hypophosphatemia. Identifiers: Orphanet 89936, MedGen C0733682, MONDO:0010619, OMIM 307800.

Submissions (3):

Genomic Medicine Center of Excellence, King Faisal Specialist Hospital and Research Centre
Classification: Likely pathogenic for Familial X-linked hypophosphatemic vitamin D refractory rickets. Last evaluated: 2024-01-12. Review status: criteria provided, single submitter. Criteria: ACMG Guidelines, 2015. Collection method: clinical testing. Allele origin: germline.

Labcorp Genetics (formerly Invitae), Labcorp
Classification: Likely pathogenic. Last evaluated: 2023-01-10. Review status: criteria provided, single submitter. Criteria: Invitae Variant Classification Sherloc (09022015). Collection method: clinical testing. Allele origin: germline.
Comment: This variant is not present in population databases (gnomAD no frequency). This sequence change replaces cysteine, which is neutral and slightly polar, with phenylalanine, which is neutral and non-polar, at codon 746 of the PHEX protein (p.Cys746Phe). This missense change has been observed in individual(s) with PHEX-related conditions (Invitae). In summary, the currently available evidence indicates that the variant is pathogenic, but additional data are needed to prove that conclusively. Therefore, this variant has been classified as Likely Pathogenic. This variant disrupts the p.Cys746 amino acid residue in PHEX. Other variant(s) that disrupt this residue have been determined to be pathogenic (PMID: 23813354). This suggests that this residue is clinically significant, and that variants that disrupt this residue are likely to be disease-causing. Advanced modeling of protein sequence and biophysical properties (such as structural, functional, and spatial information, amino acid conservation, physicochemical variation, residue mobility, and thermodynamic stability) performed at Invitae indicates that this missense variant is expected to disrupt PHEX protein function. ClinVar contains an entry for this variant (Variation ID: 372465).

GeneDx
Classification: Likely pathogenic. Last evaluated: 2016-04-08. Review status: criteria provided, single submitter. Criteria: GeneDx Variant Classification (06012015). Collection method: clinical testing. Allele origin: germline. Affected: yes.
Comment: The C746F variant has not beenpublished as a pathogenic variant, nor has it been reported as a benign variant to our knowledge.C746F was not observed in approximately 6500 individuals of European and African Americanancestry in the NHLBI Exome Sequencing Project, indicating it is not a common benign variant inthese populations. The C746F variant is a non- conservative amino acid substitution, which is likelyto impact secondary protein structure as these residues differ in polarity, charge, size and/or otherproperties. This substitution occurs at a highly conserved cysteine residue in the extracellular domain,and in silico analysis predicts this variant is probably damaging to the protein structure/function.Missense variants in the same (C746Y/W) and nearby residues (W749R/S) have been reported in theHuman Gene Mutation Database in association with hypophosphataemic rickets (Stenson et al.,2014), supporting the functional importance of this region of the protein. Therefore, this variant islikely pathogenic; however, the possibility that it is benign cannot be excluded.

Literature cited by the submitters: PubMed 23813354 (cited by Labcorp Genetics (formerly Invitae), Labcorp).

NM_000444.6(PHEX):c.2237G>T (p.Cys746Phe)

Genes: PHEX (phosphate regulating endopeptidase X-linked; plus strand), PTCHD1-AS (PTCHD1 and PHEX antisense RNA; minus strand). Cytogenetic location: Xp22.11.
Variant type: single nucleotide variant.
Coding change: c.2237G>T on transcript NM_000444.6 (MANE Select); coding-DNA position 2237, G replaced by T.
Protein change: p.Cys746Phe; replaces cysteine 746 with phenylalanine.
Molecular consequence: missense variant. On other transcripts: 3 prime UTR variant (1).
Genome position (GRCh38, 1-based): chrX:22,247,940, G>T. VCF-style: chrX-22247940-G-T. GRCh37 (hg19) VCF-style: chrX-22266057-G-T.
Other names: c.*72G>T (NM_001282754.2); short protein forms C746F.
Identifiers: ClinVar variation 372465 (VCV000372465.8), dbSNP rs1057517799, ClinGen allele CA16043228.
Genomic context (GRCh38, chrX:22,247,940, plus strand): 5'-AATTCCAGAAAGCTTTTAACTGTCCACCCAATTCCACGATGAACAGAGGCATGGACTCCT[G>T]CCGACTCTGGTAGCTGGGACGCTGGTTTATGGCATCCTGAGACAGTTGCACAGTGCCAGC-3'
Protein context (NP_000435.3, residues 736-749): NSTMNRGMDS[Cys746Phe]RLW